The following is an entry in ClinVar:

ClinVar aggregate classification (germline): Uncertain significance. Review status: criteria provided, multiple submitters, no conflicts (2 of 4 stars). 3 submissions from 3 submitters: Uncertain significance (3). Last evaluated 2025-06-17.

Conditions:
Inborn genetic diseases. Identifiers: MedGen C0950123, MeSH D030342.
Cenani-Lenz syndactyly syndrome. Also called: SYNDACTYLY, TYPE VII; CENANI SYNDACTYLISM. Identifiers: Orphanet 3258, MedGen C1859309, MONDO:0008931, OMIM 212780.
Congenital myasthenic syndrome 17. Identifiers: Orphanet 590, MedGen C4225377, MONDO:0014578, OMIM 616304.
Sclerosteosis 2 (SOST2). Identifiers: Orphanet 3152, MedGen C3280402, MONDO:0013679, OMIM 614305.

Allele frequency attached by ClinVar (database versions not stated): ExAC 0.00003; gnomAD exomes 0.00003; TOPMed 0.00003.
gnomAD v4.1: 19 of 1,614,162 alleles (0.0012%); highest among the groups gnomAD compares: Admixed American, 0.0033%; no homozygotes.

Submissions (3):

Ambry Genetics
Classification: Uncertain significance for Inborn genetic diseases. Last evaluated: 2025-06-17. Review status: criteria provided, single submitter. Criteria: Ambry Variant Classification Scheme 2023. Collection method: clinical testing. Allele origin: germline.

Labcorp Genetics (formerly Invitae), Labcorp
Classification: Uncertain significance for Cenani-Lenz syndactyly syndrome; Sclerosteosis 2; Congenital myasthenic syndrome 17. Last evaluated: 2022-07-23. Review status: criteria provided, single submitter. Criteria: Invitae Variant Classification Sherloc (09022015). Collection method: clinical testing. Allele origin: germline.
Comment: This sequence change replaces arginine, which is basic and polar, with histidine, which is basic and polar, at codon 323 of the LRP4 protein (p.Arg323His). This variant is present in population databases (rs745607286, gnomAD 0.006%). This variant has not been reported in the literature in individuals affected with LRP4-related conditions. ClinVar contains an entry for this variant (Variation ID: 304891). Algorithms developed to predict the effect of missense changes on protein structure and function are either unavailable or do not agree on the potential impact of this missense change (SIFT: "Deleterious"; PolyPhen-2: "Probably Damaging"; Align-GVGD: "Class C0"). In summary, the available evidence is currently insufficient to determine the role of this variant in disease. Therefore, it has been classified as a Variant of Uncertain Significance.

Illumina Laboratory Services, Illumina
Classification: Uncertain significance for Cenani-Lenz syndactyly syndrome. Last evaluated: 2018-01-13. Review status: criteria provided, single submitter. Criteria: ICSL Variant Classification Criteria 13 December 2019. Collection method: clinical testing. Allele origin: germline.

NM_002334.4(LRP4):c.968G>A (p.Arg323His)

Gene: LRP4 (LDL receptor related protein 4; minus strand). Cytogenetic location: 11p11.2.
Variant type: single nucleotide variant.
Coding change: c.968G>A on transcript NM_002334.4 (MANE Select); coding-DNA position 968, G replaced by A.
Protein change: p.Arg323His; replaces arginine 323 with histidine.
Molecular consequence: missense variant.
Genome position (GRCh38, 1-based): chr11:46,896,290, C>T on the plus strand (G>A on the coding strand, the complement: LRP4 is on the minus strand). VCF-style: chr11-46896290-C-T. GRCh37 (hg19) VCF-style: chr11-46917841-C-T.
Other names: short protein forms R323H.
Identifiers: ClinVar variation 304891 (VCV000304891.11), dbSNP rs745607286, ClinGen allele CA5970313.